The following is an entry in ClinVar:

NM_021098.3(CACNA1H):c.3804C>G (p.Ser1268Arg)

Gene: CACNA1H (calcium voltage-gated channel subunit alpha1 H; plus strand). Cytogenetic location: 16p13.3.
Variant type: single nucleotide variant.
Coding change: c.3804C>G on transcript NM_021098.3 (MANE Select); coding-DNA position 3804, C replaced by G.
Protein change: p.Ser1268Arg; replaces serine 1268 with arginine.
Molecular consequence: missense variant.
Genome position (GRCh38, 1-based): chr16:1,210,094, C>G. VCF-style: chr16-1210094-C-G. GRCh37 (hg19) VCF-style: chr16-1260094-C-G.
Other names: c.3804C>G, p.Ser1268Arg (NM_001005407.2); short protein forms S1268R.
Identifiers: ClinVar variation 1032114 (VCV001032114.4), dbSNP rs750607074, ClinGen allele CA7800935.

ClinVar aggregate classification (germline): Uncertain significance. Review status: criteria provided, multiple submitters, no conflicts (2 of 4 stars). 4 submissions from 4 submitters: Uncertain significance (4). Last evaluated 2025-04-15.

Conditions:
Inborn genetic diseases. Identifiers: MedGen C0950123, MeSH D030342.
Epilepsy, childhood absence, susceptibility to, 6. Identifiers: Orphanet 64280, MedGen C2749872, MONDO:0012763, OMIM 611942.

gnomAD v4.1: 4 of 1,559,952 alleles (0.00026%); highest among the groups gnomAD compares: South Asian, 0.0047%; no homozygotes.

Submissions (4):

Ambry Genetics
Classification: Uncertain significance for Inborn genetic diseases. Last evaluated: 2025-04-15. Review status: criteria provided, single submitter. Criteria: Ambry Variant Classification Scheme 2023. Collection method: clinical testing. Allele origin: germline.

Women's Health and Genetics/Laboratory Corporation of America, LabCorp
Classification: Uncertain significance. Last evaluated: 2024-06-21. Review status: criteria provided, single submitter. Criteria: LabCorp Variant Classification Summary - May 2015. Collection method: clinical testing. Allele origin: germline.
Comment: Variant summary: CACNA1H c.3804C>G (p.Ser1268Arg) results in a non-conservative amino acid change in the encoded protein sequence. Four of five in-silico tools predict a benign effect of the variant on protein function. The variant allele was found at a frequency of 6e-06 in 166300 control chromosomes. The available data on variant occurrences in the general population are insufficient to allow any conclusion about variant significance. To our knowledge, no occurrence of c.3804C>G in individuals affected with Idiopathic Generalized Epilepsy and no experimental evidence demonstrating its impact on protein function have been reported. ClinVar contains an entry for this variant (Variation ID: 1032114). Based on the evidence outlined above, the variant was classified as uncertain significance.

Neuberg Centre For Genomic Medicine, NCGM
Classification: Uncertain significance for Epilepsy, childhood absence, susceptibility to, 6. Last evaluated: 2023-05-20. Review status: criteria provided, single submitter. Criteria: ACMG Guidelines, 2015. Collection method: clinical testing. Allele origin: germline. Inheritance: Autosomal dominant inheritance. Affected: yes.
Comment: The observed missense c.3804C>G(p.Ser1268Arg) variant in CACNA1H gene has not been reported previously as a pathogenic variant nor as a benign variant, to our knowledge. This variant is present with an allele frequency of 0.0006% in gnomAD Exomes database. This variant has been submitted to the ClinVar database as Uncertain significance. Multiple lines of computational evidence (Polyphen - Benign, SIFT - Tolerated and MutationTaster - polymorphism) predict no damaging effect on protein structure and function for this variant. The amino acid change p.Ser1268Arg in CACNA1H is predicted as conserved by GERP++. The amino acid Ser at position 1268 is changed to a Arg changing protein sequence and it might alter its composition and physico-chemical properties. For these reasons, this variant has been classified as Variant of Uncertain Significance(VUS).

Baylor Genetics
Classification: Uncertain significance for Epilepsy, childhood absence, susceptibility to, 6. Last evaluated: 2018-01-29. Review status: criteria provided, single submitter. Criteria: ACMG Guidelines, 2015. Collection method: clinical testing. Allele origin: paternal. Affected: yes.
Comment: This variant was determined to be of uncertain significance according to ACMG Guidelines, 2015 [PMID:25741868].